The following is an entry in ClinVar:

ClinVar aggregate classification (germline): Uncertain significance (1 of 4 stars; one submission).

Allele frequency attached by ClinVar (database versions not stated): gnomAD exomes below 0.00001 and 0.00001.
gnomAD v4.1: 1 of 1,190,508 alleles (0.000084%); highest among the groups gnomAD compares: Non-Finnish European, 0.00011%; no homozygotes.

Submission:

Labcorp Genetics (formerly Invitae), Labcorp
Classification: Uncertain significance. Last evaluated: 2021-01-04. Review status: criteria provided, single submitter. Criteria: Invitae Variant Classification Sherloc (09022015). Collection method: clinical testing. Allele origin: germline.
Comment: In summary, the available evidence is currently insufficient to determine the role of this variant in disease. Therefore, it has been classified as a Variant of Uncertain Significance. This sequence change replaces methionine with leucine at codon 85 of the TRAPPC2 protein (p.Met85Leu). The methionine residue is highly conserved and there is a small physicochemical difference between methionine and leucine. This variant is not present in population databases (ExAC no frequency). This variant has not been reported in the literature in individuals with TRAPPC2-related conditions. Algorithms developed to predict the effect of missense changes on protein structure and function are either unavailable or do not agree on the potential impact of this missense change (SIFT: "Tolerated"; PolyPhen-2: "Probably Damaging"; Align-GVGD: "Class C0").

NM_001011658.4(TRAPPC2):c.253A>T (p.Met85Leu)

Genes: OFD1 (OFD1 centriole and centriolar satellite protein; plus strand), TRAPPC2 (trafficking protein particle complex subunit 2; minus strand). Cytogenetic location: Xp22.2.
Variant type: single nucleotide variant.
Coding change: c.253A>T on transcript NM_001011658.4 (MANE Select); coding-DNA position 253, A replaced by T.
Protein change: p.Met85Leu; replaces methionine 85 with leucine.
Molecular consequence: missense variant.
Genome position (GRCh38, 1-based): chrX:13,716,075, T>A on the plus strand (A>T on the coding strand, the complement: TRAPPC2 is on the minus strand). VCF-style: chrX-13716075-T-A. GRCh37 (hg19) VCF-style: chrX-13734194-T-A.
Other names: c.355A>T, p.Met119Leu (NM_001128835.3); c.253A>T, p.Met85Leu (NM_014563.6); short protein forms M85L, M119L.
Identifiers: ClinVar variation 1513816 (VCV001513816.8), dbSNP rs1181474333, ClinGen allele CA412325049.